The following is an entry in ClinVar:

NM_001182.5(ALDH7A1):c.42G>C (p.Lys14Asn)

Gene: ALDH7A1 (aldehyde dehydrogenase 7 family member A1; minus strand). Cytogenetic location: 5q23.2.
Variant type: single nucleotide variant.
Coding change: c.42G>C on transcript NM_001182.5 (MANE Select); coding-DNA position 42, G replaced by C.
Protein change: p.Lys14Asn; replaces lysine 14 with asparagine.
Molecular consequence: missense variant. On other transcripts: 5 prime UTR variant (1).
Genome position (GRCh38, 1-based): chr5:126,595,157, C>G on the plus strand (G>C on the coding strand, the complement: ALDH7A1 is on the minus strand). VCF-style: chr5-126595157-C-G. GRCh37 (hg19) VCF-style: chr5-125930849-C-G.
Other names: c.-43G>C (NM_001201377.2); c.42G>C, p.Lys14Asn (NM_001202404.2); short protein forms K14N.
Identifiers: ClinVar variation 1046586 (VCV001046586.10), dbSNP rs1751704302, ClinGen allele CA360733967.

ClinVar aggregate classification (germline): Uncertain significance (1 of 4 stars; one submission).

Conditions:
Pyridoxine-dependent epilepsy (EPEO4). Also called: Pyridoxine-Dependent Seizures; Pyridoxine-Dependent Epilepsy - ALDH7A1; PYRIDOXINE DEPENDENCY WITH SEIZURES; EPILEPSY, EARLY-ONSET, 4, VITAMIN B6-DEPENDENT. Identifiers: Orphanet 3006, MedGen C1849508, MONDO:0009945, OMIM 266100. Disease mechanism: loss of function.

Submission:

Labcorp Genetics (formerly Invitae), Labcorp
Classification: Uncertain significance for Pyridoxine-dependent epilepsy. Last evaluated: 2020-02-18. Review status: criteria provided, single submitter. Criteria: Invitae Variant Classification Sherloc (09022015). Collection method: clinical testing. Allele origin: germline.
Comment: This sequence change replaces lysine with asparagine at codon 14 of the ALDH7A1 protein (p.Lys14Asn). The lysine residue is weakly conserved and there is a moderate physicochemical difference between lysine and asparagine. This variant is not present in population databases (ExAC no frequency). This variant has not been reported in the literature in individuals with ALDH7A1-related conditions. Algorithms developed to predict the effect of missense changes on protein structure and function output the following: SIFT: "Tolerated"; PolyPhen-2: "Benign"; Align-GVGD: "Class C0". The asparagine amino acid residue is found in multiple mammalian species, suggesting that this missense change does not adversely affect protein function. These predictions have not been confirmed by published functional studies and their clinical significance is uncertain. In summary, the available evidence is currently insufficient to determine the role of this variant in disease. Therefore, it has been classified as a Variant of Uncertain Significance.